The following is an entry in ClinVar:

NM_000257.4(MYH7):c.748A>G (p.Ile250Val)

Gene: MYH7 (myosin heavy chain 7; minus strand). Cytogenetic location: 14q11.2.
Variant type: single nucleotide variant.
Coding change: c.748A>G on transcript NM_000257.4 (MANE Select); coding-DNA position 748, A replaced by G.
Protein change: p.Ile250Val; replaces isoleucine 250 with valine.
Molecular consequence: missense variant.
Genome position (GRCh38, 1-based): chr14:23,431,466, T>C on the plus strand (A>G on the coding strand, the complement: MYH7 is on the minus strand). VCF-style: chr14-23431466-T-C. GRCh37 (hg19) VCF-style: chr14-23900675-T-C.
Other names: short protein forms I250V.
Identifiers: ClinVar variation 43105 (VCV000043105.5), dbSNP rs397516268, ClinGen allele CA016788.

ClinVar aggregate classification (germline): Uncertain significance (1 of 4 stars; one submission).

Allele frequency attached by ClinVar (database versions not stated): gnomAD exomes below 0.00001.
gnomAD v4.1: 2 of 1,614,126 alleles (0.00012%); highest among the groups gnomAD compares: Admixed American, 0.0017%; no homozygotes.

Submission:

Laboratory for Molecular Medicine, Mass General Brigham Personalized Medicine
Classification: Uncertain significance. Last evaluated: 2014-01-19. Review status: criteria provided, single submitter. Criteria: LMM Criteria. Collection method: clinical testing. Allele origin: germline. Observed: 1 variant allele.
Comment: proposed classification - variant undergoing re-assessment, contact laboratory